The following is an entry in ClinVar:

NM_001104631.2(PDE4D):c.1041T>C (p.Pro347=)

Gene: PDE4D (phosphodiesterase 4D; minus strand). Cytogenetic location: 5q11.2.
Variant type: single nucleotide variant.
Coding change: c.1041T>C on transcript NM_001104631.2 (MANE Select); coding-DNA position 1041, T replaced by C.
Protein change: p.Pro347=; no amino-acid change (proline 347 retained).
Molecular consequence: synonymous variant.
Genome position (GRCh38, 1-based): chr5:58,991,979, A>G on the plus strand (T>C on the coding strand, the complement: PDE4D is on the minus strand). VCF-style: chr5-58991979-A-G. GRCh37 (hg19) VCF-style: chr5-58287806-A-G.
Other names: c.858T>C, p.Pro286= (NM_001165899.2, NM_001364599.1); c.849T>C, p.Pro283= (NM_001197218.2); c.675T>C, p.Pro225= (NM_001197219.2); c.651T>C, p.Pro217= (NM_001197220.2); c.135T>C, p.Pro45= (NM_001197221.2, NM_001364603.1); c.369T>C, p.Pro123= (NM_001197222.2); c.168T>C, p.Pro56= (NM_001197223.2); c.828T>C, p.Pro276= (NM_001349241.2); and 3 more.
Identifiers: ClinVar variation 907638 (VCV000907638.10), dbSNP rs767986152, ClinGen allele CA3276162.

ClinVar aggregate classification (germline): Benign/Likely benign. Review status: criteria provided, multiple submitters, no conflicts (2 of 4 stars). 3 submissions from 3 submitters: Benign (1); Likely benign (1). 1 of the submissions does not count toward it. Last evaluated 2025-04-11.

Conditions:
Acrodysostosis 2 with or without hormone resistance. Also called: ACRODYSOSTOSIS 2 WITH HORMONE RESISTANCE; ACRODYSOSTOSIS 2 WITHOUT HORMONE RESISTANCE. Identifiers: Orphanet 280651, MedGen C3553250, MONDO:0013822, OMIM 614613.
PDE4D-related disorder. Also called: PDE4D-related condition.

Allele frequency attached by ClinVar (database versions not stated): ExAC 0.00004; gnomAD exomes 0.00005 and 0.00014; TOPMed 0.00006; gnomAD 0.00009 and 0.00010.
gnomAD v4.1: 212 of 1,583,018 alleles (0.013%); highest among the groups gnomAD compares: Non-Finnish European, 0.017%; no homozygotes.

Submissions (3):

Labcorp Genetics (formerly Invitae), Labcorp
Classification: Likely benign. Last evaluated: 2025-04-11. Review status: criteria provided, single submitter. Criteria: Invitae Variant Classification Sherloc (09022015). Collection method: clinical testing. Allele origin: germline.

Illumina Laboratory Services, Illumina
Classification: Benign for Acrodysostosis 2 with or without hormone resistance. Last evaluated: 2018-01-12. Review status: criteria provided, single submitter. Criteria: ICSL Variant Classification Criteria 13 December 2019. Collection method: clinical testing. Allele origin: germline.
Comment: This variant was observed in the ICSL laboratory as part of a predisposition screen in an ostensibly healthy population. It had not been previously curated by ICSL or reported in the Human Gene Mutation Database (HGMD: prior to June 1st, 2018), and was therefore a candidate for classification through an automated scoring system. Utilizing variant allele frequency, disease prevalence and penetrance estimates, and inheritance mode, an automated score was calculated to assess if this variant is too frequent to cause the disease. Based on the score and internal cut-off values, a variant classified as benign is not then subjected to further curation. The score for this variant resulted in a classification of benign for this disease.

PreventionGenetics, part of Exact Sciences
Classification: Likely benign for PDE4D-related condition. Last evaluated: 2021-10-22. Review status: no assertion criteria provided. Collection method: clinical testing. Allele origin: germline. Not counted in ClinVar's aggregate classification.
Comment: This variant is classified as likely benign based on ACMG/AMP sequence variant interpretation guidelines (Richards et al. 2015 PMID: 25741868, with internal and published modifications).